The following is an entry in ClinVar:

ClinVar aggregate classification (germline): Likely benign. Review status: criteria provided, multiple submitters, no conflicts (2 of 4 stars). 2 submissions from 2 submitters: Likely benign (2). Last evaluated 2026-08-01.

Conditions:
Multiple congenital anomalies-hypotonia-seizures syndrome 3 (MCAHS3). Also called: GLYCOSYLPHOSPHATIDYLINOSITOL BIOSYNTHESIS DEFECT 7. Identifiers: Orphanet 369837, MedGen C3809356, MONDO:0014165, OMIM 615398.

Allele frequency attached by ClinVar (database versions not stated): gnomAD 0.00003; gnomAD exomes 0.00004 and 0.00008; ExAC 0.00006; TOPMed 0.00006.
gnomAD v4.1: 28 of 1,613,528 alleles (0.0017%); highest among the groups gnomAD compares: Admixed American, 0.047%; no homozygotes.

Submissions (2):

CeGaT Center for Human Genetics Tuebingen
Classification: Likely benign. Last evaluated: 2026-08-01. Review status: criteria provided, single submitter. Criteria: CeGaT Center For Human Genetics Tuebingen Variant Classification Criteria Version 2. Collection method: clinical testing. Allele origin: germline. Affected: yes. Observed: 1 variant allele.
Comment: PIGT: BP4, BP7

Labcorp Genetics (formerly Invitae), Labcorp
Classification: Likely benign for Multiple congenital anomalies-hypotonia-seizures syndrome 3. Last evaluated: 2025-10-01. Review status: criteria provided, single submitter. Criteria: Invitae Variant Classification Sherloc (09022015). Collection method: clinical testing. Allele origin: germline.

NM_015937.6(PIGT):c.868-10G>A

Gene: PIGT (phosphatidylinositol glycan anchor biosynthesis class T; plus strand). Cytogenetic location: 20q13.12.
Variant type: single nucleotide variant.
Coding change: c.868-10G>A on transcript NM_015937.6 (MANE Select); 10 bases into the intron before coding-DNA position 868, G replaced by A.
Molecular consequence: intron variant.
Genome position (GRCh38, 1-based): chr20:45,420,518, G>A. VCF-style: chr20-45420518-G-A. GRCh37 (hg19) VCF-style: chr20-44049158-G-A.
Other names: c.868-10G>A (NM_001184729.3); c.700-10G>A (NM_001184728.3); c.562-10G>A (NM_001184730.3).
Identifiers: ClinVar variation 1584287 (VCV001584287.9), dbSNP rs752291543, ClinGen allele CA9878096.
Genomic context (GRCh38, chr20:45,420,518, plus strand): 5'-ACACACCGCTGGTCCCCAGGACCAGCCTACCCTCTCTGCTTGCTTCTTAGCCCTGCCTTT[G>A]TGTCCCCAGGACAACGAGACATTAGAGGTGCACCCACCCCCGACCACTACATATCAGGAC-3'